The following is an entry in ClinVar:

ClinVar aggregate classification (germline): Uncertain significance. Review status: criteria provided, multiple submitters, no conflicts (2 of 4 stars). 2 submissions from 2 submitters: Uncertain significance (2). Last evaluated 2023-07-10.

Allele frequency attached by ClinVar (database versions not stated): gnomAD 0.00001; gnomAD exomes 0.00001 and 0.00002; ExAC 0.00003.
gnomAD v4.1: 14 of 1,613,718 alleles (0.00087%); highest among the groups gnomAD compares: Middle Eastern, 0.016%; no homozygotes.

Submissions (2):

Labcorp Genetics (formerly Invitae), Labcorp
Classification: Uncertain significance. Last evaluated: 2023-07-10. Review status: criteria provided, single submitter. Criteria: Invitae Variant Classification Sherloc (09022015). Collection method: clinical testing. Allele origin: germline.
Comment: Advanced modeling of protein sequence and biophysical properties (such as structural, functional, and spatial information, amino acid conservation, physicochemical variation, residue mobility, and thermodynamic stability) performed at Invitae indicates that this missense variant is not expected to disrupt COL9A1 protein function. In summary, the available evidence is currently insufficient to determine the role of this variant in disease. Therefore, it has been classified as a Variant of Uncertain Significance. ClinVar contains an entry for this variant (Variation ID: 1476340). This variant has not been reported in the literature in individuals affected with COL9A1-related conditions. This variant is present in population databases (rs773570789, gnomAD 0.006%). This sequence change replaces arginine, which is basic and polar, with glutamine, which is neutral and polar, at codon 471 of the COL9A1 protein (p.Arg471Gln).

Blueprint Genetics
Classification: Uncertain significance. Last evaluated: 2022-08-31. Review status: criteria provided, single submitter. Criteria: ACMG Guidelines, 2015. Collection method: clinical testing. Allele origin: germline.

NM_001851.6(COL9A1):c.1412G>A (p.Arg471Gln)

Gene: COL9A1 (collagen type IX alpha 1 chain; minus strand). Cytogenetic location: 6q13.
Variant type: single nucleotide variant.
Coding change: c.1412G>A on transcript NM_001851.6 (MANE Select); coding-DNA position 1412, G replaced by A.
Protein change: p.Arg471Gln; replaces arginine 471 with glutamine.
Molecular consequence: missense variant. On other transcripts: non-coding transcript variant (1).
Genome position (GRCh38, 1-based): chr6:70,260,694, C>T on the plus strand (G>A on the coding strand, the complement: COL9A1 is on the minus strand). VCF-style: chr6-70260694-C-T. GRCh37 (hg19) VCF-style: chr6-70970397-C-T.
Other names: c.683G>A, p.Arg228Gln (NM_001377289.1, NM_001377290.1, NM_078485.4); short protein forms R471Q, R228Q.
Identifiers: ClinVar variation 1476340 (VCV001476340.7), dbSNP rs773570789, ClinGen allele CA3882226.
Genomic context (GRCh38, chr6:70,260,694, plus strand): 5'-TATTATTGTCATCACCATCTTACTTTTTCCCCTTTGTCCCCAACTATGCCGGTGATGCCT[C>T]GCAAACCCTGGGCTCCCTGGAAATGTGAAAAAGAGAAGTGAATTATTTTAGTTGAAGCAA-3'
Protein context (NP_001842.3, residues 461-481): AQGPPGAQGL[Arg471Gln]GITGIVGDKG